The following continues an entry in ClinVar:

NM_000371.4(TTR):c.238A>G (p.Thr80Ala)

Gene: TTR. ClinVar aggregate classification (germline): Pathogenic/Likely pathogenic. Pathogenic (16); Likely pathogenic (2).

Submissions 7 to 19 of 19:

Athena Diagnostics
Classification: Pathogenic. Last evaluated: 2024-10-15. Review status: criteria provided, single submitter. Criteria: Athena Diagnostics Criteria. Collection method: clinical testing. Allele origin: unknown.
Comment: The frequency of this variant in the general population is consistent with pathogenicity. (Genome Aggregation Database (gnomAD), Cambridge, MA (URL)) This variant has been identified in multiple unrelated individuals with clinical features associated with this gene. Assessment of experimental evidence regarding the effect of this variant on protein function is inconclusive. The structural, stability, folding, thermodynamic, and thyroxine affinity assays are not inconsistent with, but not conclusively demonstrative of, pathogenicity (PMID: 3097057, 9818054, 15820680, 17503405, 19602727). This variant is mainly associated with hereditary TTR amyloid cardiomyopathy, formerly known as familial amyloidotic cardiomyopathy (FAC). In some published literature, this variant is referred to as p.Thr60Ala.

Blueprint Genetics
Classification: Pathogenic for TTR-related disorders. Last evaluated: 2024-10-10. Review status: criteria provided, single submitter. Criteria: ACMG Guidelines, 2015. Collection method: clinical testing. Allele origin: germline. Affected: yes. Observed: 3 variant alleles.

Victorian Clinical Genetics Services, Murdoch Childrens Research Institute
Classification: Pathogenic for Amyloidosis, hereditary systemic 1. Last evaluated: 2024-10-09. Review status: criteria provided, single submitter. Criteria: ACMG Guidelines, 2015. Collection method: clinical testing. Allele origin: germline. Inheritance: Autosomal dominant inheritance. Affected: yes.
Comment: Based on the classification scheme VCGS_Germline_v1.3.5, this variant is classified as Pathogenic. Following criteria are met: 0101 - Gain of function is a known mechanism of disease in this gene and is associated with hereditary amyloidosis, transthyretin-related (MIM#105210) and familial carpal tunnel syndrome (MIM#115430). (I) 0107 - This gene is associated with autosomal dominant disease. (I) 0112 - The condition associated with this gene has incomplete penetrance. Penetrance may vary by variant, geographic region, or ethnic group (PMID: 20301373). (I) 0200 - Variant is predicted to result in a missense amino acid change from threonine to alanine. (I) 0251 - This variant is heterozygous. (I) 0302 - Variant is present in gnomAD (v4) <0.001 for a dominant condition (27 heterozygotes, 0 homozygotes). (SP) 0309 - An alternative amino acid change at the same position has been observed in gnomAD (v4; 4 heterozygotes, 0 homozygotes). (I) 0502 - Missense variant with conflicting in silico predictions and uninformative conservation. (I) 0600 - Variant is located in the annotated transthyretin domain (DECIPHER). (I) 0801 - This variant has strong previous evidence of pathogenicity in unrelated individuals. This variant has been reported multiple times as pathogenic in individuals with familial amyloid polyneuropathy and is most commonly associated with cardiac amyloidosis (ClinVar, PMID: 21992998, 28739313). This variant is also known in the literature as p.(Thr60Ala). (SP) 1208 - Inheritance information for this variant is not currently available in this individual. (I) Legend: (SP) - Supporting pathogenic, (I) - Information, (SB) - Supporting benign

Dasa
Classification: Pathogenic. Last evaluated: 2024-06-26. Review status: criteria provided, single submitter. Criteria: DASA Assertion Criteria. Collection method: clinical testing. Allele origin: germline.
Comment: NM_000371.4(TTR):c.238A>G (p.Thr80Ala) is a missense variant that results in the substitution of threonine with alanine. Functional evidence supports a deleterious effect on the gene or gene product (PMID: 3722385; PMID: 12050338; PMID: 21992998; PMID: 25997029; PMID: 26017327). This variant has been recurrently observed in individuals with related phenotype (PMID: 3722385; PMID: 12050338; PMID: 21992998; PMID: 25997029; PMID: 26017327). Segregation evidence has been reported in affected families. Multiple computational predictions support a deleterious effect on the gene or gene product. The variant is present at low frequency in population datasets. Based on the available data, this variant is classified as pathogenic.

Genetic Services Laboratory, University of Chicago
Classification: Pathogenic. Last evaluated: 2024-06-12. Review status: criteria provided, single submitter. Criteria: ACMG Guidelines, 2015. Collection method: clinical testing. Allele origin: germline. Affected: yes.
Comment: DNA sequence analysis of the TTR gene demonstrated a sequence change, c.238A>G, in exon 3 that results in an amino acid change, p.Thr80Ala. The p.Thr80Ala change affects a poorly conserved amino acid residue located in a domain of the TTR protein that is known to be functional. In-silico pathogenicity prediction tools (SIFT, PolyPhen2, Align GVGD, REVEL) provide contradictory results for the p.Thr80Ala substitution. This pathogenic sequence change has previously been described in several individuals with TTR-related amyloidosis (PMID: 3722385, 12050338, 21992998, 25997029, 26017327) and has been found to segregate with disease in related individuals. This sequence change has been described in the gnomAD database with a frequency of 0.002% in the overall population (dbSNP rs121918070). The p.Thr80Ala amino acid change occurs in a region of the TTR gene where other missense sequence changes have been described in individuals with TTR-related disorders. These collective evidences indicate that this sequence change is pathogenic.

Laboratory for Molecular Medicine, Mass General Brigham Personalized Medicine
Classification: Pathogenic for ATTRV30M amyloidosis. Last evaluated: 2023-06-27. Review status: criteria provided, single submitter. Criteria: ACMG Guidelines, 2015. Collection method: clinical testing. Allele origin: germline. Inheritance: Autosomal dominant inheritance.
Comment: The p.Thr80Ala variant (also described as p.Thr60Ala in the literature) in TTR has been reported in >80 individuals with hereditary transthyretin amyloidosis (ATTR), many of which had cardiac involvement, and segregated with disease in 7 affected relatives from 5 families (Wallace 1986 PMID: 3722385, Benson 1987 PMID: 3030336, Koeppen 1990 PMID: 2122246, Reilly 1995 PMID: 7608709, Kotani 2002 PMID: 12000195, Lachmann 2002 PMID: 12050338, Graham 2012, Sattianayagam 2012 PMID: 21992998, Fontana 2015 PMID: 25997029, Lanoue 2016 PMID: 26959691, Auer-Grumbach 2020 PMID: 32674397, LMM data). It has also been reported by other clinical laboratories in ClinVar (Variation ID: 13421) and has been identified in 0.003% (2/68028) of European chromosomes by gnomAD (v.3.1.2). In vitro functional studies provide some evidence that this variant impacts protein function (Altland 2007 PMID: 17503405). Computational prediction tools and conservation analyses do not provide strong support for or against an impact to the protein. In summary, this variant meets criteria to be classified as pathogenic for autosomal dominant hereditary transthyretin amyloidosis. ACMG/AMP Criteria applied: PS4, PP1_Strong, PM2_Supporting, PS3_Supporting.

GeneDx
Classification: Pathogenic. Last evaluated: 2020-12-07. Review status: criteria provided, single submitter. Criteria: GeneDx Variant Classification Process June 2021. Collection method: clinical testing. Allele origin: germline. Affected: yes.
Comment: Common pathogenic variant in the TTR gene, which has been reported in populations around the world in association with hereditary amyloidosis, amyloidotic cardiomyopathy, and polyneuropathy, and is the most common TTR variant in the UK and North-West Ireland (Wallace et al., 1986; Benson et al., 1987; Koeppen et al., 1990; Saunton et al., 1991; Kotani et al., 2002; Lachmann et al., 2002; Connors et al., 2011; Sattianayagam et al., 2012; Arruda-Olso et al., 2013; Ihse et al., 2013; Swiecicki et al., 2015; Reilly 1995); Observed in 58 patients with a clinical diagnosis of TTR amyloidosis; all had histological evidence of amyloid deposition, two had a cardiac transplant, and ten had a liver transplant (Swiecicki et al., 2015); Reported to segregate with amyloidosis in several families (Wallace et al., 1986; Koeppen et al., 1990; Reilly et al., 1995); Also reported as T60A due to a difference in cDNA numbering; Not observed at a significant frequency in large population cohorts (gnomAD); In silico analysis, which includes protein predictors and evolutionary conservation, supports a deleterious effect; Functional studies demonstrate this variant induces conformational changes within the TTR monomers that result in the destablization of the native structure of these monomers compared to wildtype, leading to amyloidogenic potential (Altland et al., 2007; Cendron et al., 2009); Reported in ClinVar as pathogenic (ClinVar Variant ID #13421; ClinVar); This variant is associated with the following publications: (PMID: 19602727, 26894299, 17968687, 24517438, 25604431, 1644839, 3722385, 21992998, 23713495, 12050338, 12000195, 24131106, 1664269, 3030336, 2122246, 15820680, 21838471, 22620962, 27033334, 26610878, 25997029, 24101130, 26959691, 26849806, 32674397, 26017327, 7608709, 26656838, 17503405)

Center for Advanced Laboratory Medicine, UC San Diego Health, University of California San Diego
Classification: Pathogenic for Cardiomyopathy. Last evaluated: 2018-12-24. Review status: criteria provided, single submitter. Criteria: ACMG Guidelines, 2015. Collection method: clinical testing. Allele origin: germline. Affected: yes. Observed: 1 variant allele.

Mayo Clinic Laboratories, Mayo Clinic
Classification: Pathogenic. Last evaluated: 2015-10-22. Review status: criteria provided, single submitter. Criteria: ACMG Guidelines, 2015. Collection method: clinical testing. Allele origin: germline. Observed: 13 variant alleles.

Stanford Center for Inherited Cardiovascular Disease, Stanford University
Classification: Likely pathogenic. Last evaluated: 2014-02-20. Review status: criteria provided, single submitter. Criteria: ACMG Guidelines, 2015. Collection method: provider interpretation. Allele origin: germline.

Women's Health and Genetics/Laboratory Corporation of America, LabCorp
Classification: Pathogenic for Transthyretin Amyloidosis. Last evaluated: 2011-08-18. Review status: criteria provided, single submitter. Criteria: LabCorp Variant Classification Summary - May 2015. Collection method: curation, clinical testing. Allele origin: germline. Inheritance: autosomal dominant. Affected: yes. Observed: 13 variant alleles.
ClinVar note: Converted during submission from pathogenic to Pathogenic.

Molecular Genetics Laboratory, London Health Sciences Centre
Classification: Pathogenic for Charcot-Marie-Tooth disease. Review status: criteria provided, single submitter. Criteria: ACMG Guidelines, 2015. Collection method: clinical testing. Allele origin: germline. Affected: yes.

OMIM
Classification: Pathogenic for AMYLOIDOSIS, HEREDITARY SYSTEMIC 1. Last evaluated: 2002-06-06. Review status: no assertion criteria provided. Collection method: literature only. Allele origin: germline. Not counted in ClinVar's aggregate classification.